The following is an entry in ClinVar:

NM_001166108.2(PALLD):c.1627A>C (p.Thr543Pro)

Gene: PALLD (palladin, cytoskeletal associated protein; plus strand). Cytogenetic location: 4q32.3.
Variant type: single nucleotide variant.
Coding change: c.1627A>C on transcript NM_001166108.2 (MANE Select); coding-DNA position 1627, A replaced by C.
Protein change: p.Thr543Pro; replaces threonine 543 with proline.
Molecular consequence: missense variant.
Genome position (GRCh38, 1-based): chr4:168,711,586, A>C. VCF-style: chr4-168711586-A-C. GRCh37 (hg19) VCF-style: chr4-169632737-A-C.
Other names: c.481A>C, p.Thr161Pro (NM_001166109.2); c.1627A>C, p.Thr543Pro (NM_016081.4); short protein forms T161P, T543P.
Identifiers: ClinVar variation 3304093 (VCV003304093.1).

ClinVar aggregate classification (germline): Uncertain significance (1 of 4 stars; one submission).

Submission:

Ambry Genetics
Classification: Uncertain significance. Last evaluated: 2024-05-20. Review status: criteria provided, single submitter. Criteria: Ambry Variant Classification Scheme 2023. Collection method: clinical testing. Allele origin: germline.
Comment: The p.T543P variant (also known as c.1627A>C), located in coding exon 9 of the PALLD gene, results from an A to C substitution at nucleotide position 1627. The threonine at codon 543 is replaced by proline, an amino acid with highly similar properties. This amino acid position is conserved. In addition, this alteration is predicted to be tolerated by in silico analysis. Based on the available evidence, the clinical significance of this variant remains unclear.